The following is an entry in ClinVar:

ClinVar aggregate classification (germline): Conflicting classifications of pathogenicity. Review status: criteria provided, conflicting classifications (1 of 4 stars). 4 submissions from 4 submitters: Uncertain significance (1); Likely benign (2). 1 of the submissions does not count toward it. Last evaluated 2025-04-13.

Conditions:
LRPPRC-related disorder. Also called: LRPPRC-related condition.
Congenital lactic acidosis, Saguenay-Lac-Saint-Jean type (MC4DN5). Also called: CYTOCHROME c OXIDASE DEFICIENCY, FRENCH CANADIAN TYPE; COX DEFICIENCY, FRENCH CANADIAN TYPE; MITOCHONDRIAL COMPLEX IV DEFICIENCY, NUCLEAR TYPE 5. Identifiers: Orphanet 70472, MedGen C1857355, MONDO:0009069, OMIM 220111.

Allele frequency attached by ClinVar (database versions not stated): gnomAD 0.00001; gnomAD exomes 0.00001; ExAC 0.00002; TOPMed 0.00002; ESP Exome Variant Server 0.00008.
gnomAD v4.1: 10 of 1,612,368 alleles (0.00062%); highest among the groups gnomAD compares: Non-Finnish European, 0.00059%; no homozygotes.

Submissions (4):

Labcorp Genetics (formerly Invitae), Labcorp
Classification: Likely benign. Last evaluated: 2025-04-13. Review status: criteria provided, single submitter. Criteria: Invitae Variant Classification Sherloc (09022015). Collection method: clinical testing. Allele origin: germline.

CeGaT Center for Human Genetics Tuebingen
Classification: Likely benign. Last evaluated: 2023-02-01. Review status: criteria provided, single submitter. Criteria: CeGaT Center For Human Genetics Tuebingen Variant Classification Criteria Version 2. Collection method: clinical testing. Allele origin: germline. Affected: yes. Observed: 1 variant allele.
Comment: LRPPRC: BP4, BP7

Illumina Laboratory Services, Illumina
Classification: Uncertain significance for Congenital lactic acidosis, Saguenay-Lac-Saint-Jean type. Last evaluated: 2018-01-13. Review status: criteria provided, single submitter. Criteria: ICSL Variant Classification Criteria 13 December 2019. Collection method: clinical testing. Allele origin: germline.

PreventionGenetics, part of Exact Sciences
Classification: Likely benign for LRPPRC-related condition. Last evaluated: 2019-07-30. Review status: no assertion criteria provided. Collection method: clinical testing. Allele origin: germline. Not counted in ClinVar's aggregate classification.
Comment: This variant is classified as likely benign based on ACMG/AMP sequence variant interpretation guidelines (Richards et al. 2015 PMID: 25741868, with internal and published modifications).

NM_133259.4(LRPPRC):c.3648C>T (p.Phe1216=)

Gene: LRPPRC (leucine rich pentatricopeptide repeat containing; minus strand). Cytogenetic location: 2p21.
Variant type: single nucleotide variant.
Coding change: c.3648C>T on transcript NM_133259.4 (MANE Select); coding-DNA position 3648, C replaced by T.
Protein change: p.Phe1216=; no amino-acid change (phenylalanine 1216 retained).
Molecular consequence: synonymous variant.
Genome position (GRCh38, 1-based): chr2:43,899,527, G>A on the plus strand (C>T on the coding strand, the complement: LRPPRC is on the minus strand). VCF-style: chr2-43899527-G-A. GRCh37 (hg19) VCF-style: chr2-44126666-G-A.
Identifiers: ClinVar variation 898441 (VCV000898441.37), dbSNP rs370683872, ClinGen allele CA1638001.